The following is an entry in ClinVar:

ClinVar aggregate classification (germline): Uncertain significance. Review status: criteria provided, multiple submitters, no conflicts (2 of 4 stars). 2 submissions from 2 submitters: Uncertain significance (2). Last evaluated 2022-08-24.

Conditions:
Hereditary cancer-predisposing syndrome. Also called: Neoplastic Syndromes, Hereditary; Tumor predisposition; Hereditary Cancer Syndrome; Hereditary neoplastic syndrome. Identifiers: Orphanet 140162, MedGen C0027672, MeSH D009386, MONDO:0015356.

Submissions (2):

Ambry Genetics
Classification: Uncertain significance for Hereditary cancer-predisposing syndrome. Last evaluated: 2022-08-24. Review status: criteria provided, single submitter. Criteria: Ambry Variant Classification Scheme 2023. Collection method: clinical testing. Allele origin: germline.
Comment: The p.S1340I variant (also known as c.4019G>T), located in coding exon 32 of the POLE gene, results from a G to T substitution at nucleotide position 4019. The serine at codon 1340 is replaced by isoleucine, an amino acid with dissimilar properties. This amino acid position is conserved. In addition, this alteration is predicted to be tolerated by in silico analysis. Since supporting evidence is limited at this time, the clinical significance of this alteration remains unclear.

Labcorp Genetics (formerly Invitae), Labcorp
Classification: Uncertain significance. Last evaluated: 2022-04-29. Review status: criteria provided, single submitter. Criteria: Invitae Variant Classification Sherloc (09022015). Collection method: clinical testing. Allele origin: germline.
Comment: This variant is not present in population databases (gnomAD no frequency). This sequence change replaces serine, which is neutral and polar, with isoleucine, which is neutral and non-polar, at codon 1340 of the POLE protein (p.Ser1340Ile). This variant has not been reported in the literature in individuals affected with POLE-related conditions. In summary, the available evidence is currently insufficient to determine the role of this variant in disease. Therefore, it has been classified as a Variant of Uncertain Significance. Algorithms developed to predict the effect of missense changes on protein structure and function (SIFT, PolyPhen-2, Align-GVGD) all suggest that this variant is likely to be tolerated.

NM_006231.4(POLE):c.4019G>T (p.Ser1340Ile)

Gene: POLE (DNA polymerase epsilon, catalytic subunit; minus strand). Cytogenetic location: 12q24.33.
Variant type: single nucleotide variant.
Coding change: c.4019G>T on transcript NM_006231.4 (MANE Select); coding-DNA position 4019, G replaced by T.
Protein change: p.Ser1340Ile; replaces serine 1340 with isoleucine.
Molecular consequence: missense variant.
Genome position (GRCh38, 1-based): chr12:132,649,059, C>A on the plus strand (G>T on the coding strand, the complement: POLE is on the minus strand). VCF-style: chr12-132649059-C-A. GRCh37 (hg19) VCF-style: chr12-133225645-C-A.
Other names: short protein forms S1340I.
Identifiers: ClinVar variation 1737079 (VCV001737079.7), dbSNP rs1234413798, ClinGen allele CA387384004.
Genomic context (GRCh38, chr12:132,649,059, plus strand): 5'-AGCCTGATGCAGTGCAAGTCACTGCCAACGAGCGCCCACAGCCTGAACAGGCCGGCCTGG[C>A]TGGTCTCGCTGATCTGAAAGGCCACACGGACATACAGCACATCACAGGACACACTGGAAC-3'
Protein context (NP_006222.2, residues 1330-1350): PWQIVQISET[Ser1340Ile]QAGLFRLWAL